The following is an entry in ClinVar:

NM_001034116.2(EIF2B4):c.1030C>T (p.Arg344Ter)

Genes: EIF2B4 (eukaryotic translation initiation factor 2B subunit delta; minus strand), GTF3C2-AS2 (GTF3C2 antisense RNA 2; plus strand). Cytogenetic location: 2p23.3.
Variant type: single nucleotide variant.
Coding change: c.1030C>T on transcript NM_001034116.2 (MANE Select); coding-DNA position 1030, C replaced by T.
Protein change: p.Arg344Ter; replaces arginine 344 with a stop codon.
Molecular consequence: nonsense.
Genome position (GRCh38, 1-based): chr2:27,366,920, G>A on the plus strand (C>T on the coding strand, the complement: EIF2B4 is on the minus strand). VCF-style: chr2-27366920-G-A. GRCh37 (hg19) VCF-style: chr2-27589787-G-A.
Other names: c.937C>T, p.Arg313Ter (NM_001318967.2); c.445C>T, p.Arg149Ter (NM_001318968.2); c.412C>T, p.Arg138Ter (NM_001318969.2); c.1027C>T, p.Arg343Ter (NM_015636.4); c.1090C>T, p.Arg364Ter (NM_172195.4); c.1093C>T, p.Arg365Ter (NM_001318965.2); c.985C>T, p.Arg329Ter (NM_001318966.2); short protein forms R313*, R329*, R138*, R365*, R343*, R344*, R149*, R364*.
Identifiers: ClinVar variation 2840472 (VCV002840472.3), dbSNP rs1443314697, ClinGen allele CA346198198.

ClinVar aggregate classification (germline): Pathogenic (1 of 4 stars; one submission).

Allele frequency attached by ClinVar (database versions not stated): gnomAD 0.00001.

Submission:

Labcorp Genetics (formerly Invitae), Labcorp
Classification: Pathogenic. Last evaluated: 2023-12-11. Review status: criteria provided, single submitter. Criteria: Invitae Variant Classification Sherloc (09022015). Collection method: clinical testing. Allele origin: germline.
Comment: This sequence change creates a premature translational stop signal (p.Arg343*) in the EIF2B4 gene. It is expected to result in an absent or disrupted protein product. Loss-of-function variants in EIF2B4 are known to be pathogenic (PMID: 11835386, 15776425, 16807905). This variant is present in population databases (no rsID available, gnomAD 0.007%). This variant has not been reported in the literature in individuals affected with EIF2B4-related conditions. For these reasons, this variant has been classified as Pathogenic.

Literature cited by the submitters: PubMed 11835386; PubMed 15776425; PubMed 16807905.